The following is an entry in ClinVar:

NM_001009944.3(PKD1):c.5124C>T (p.Ala1708=)

Gene: PKD1 (polycystin 1, transient receptor potential channel interacting; minus strand). Cytogenetic location: 16p13.3.
Variant type: single nucleotide variant.
Coding change: c.5124C>T on transcript NM_001009944.3 (MANE Select); coding-DNA position 5124, C replaced by T.
Protein change: p.Ala1708=; no amino-acid change (alanine 1708 retained).
Molecular consequence: synonymous variant.
Genome position (GRCh38, 1-based): chr16:2,110,043, G>A on the plus strand (C>T on the coding strand, the complement: PKD1 is on the minus strand). VCF-style: chr16-2110043-G-A. GRCh37 (hg19) VCF-style: chr16-2160044-G-A.
Other names: c.5124C>T, p.Ala1708= (NM_000296.4).
Identifiers: ClinVar variation 4982216 (VCV004982216.2).

ClinVar aggregate classification (germline): Likely benign. Review status: criteria provided, multiple submitters, no conflicts (2 of 4 stars). 2 submissions from 2 submitters: Likely benign (2). Last evaluated 2026-08-19.

Conditions:
PKD1-related disorder. Also called: PKD1-related condition.

gnomAD v4.1: 29 of 1,610,292 alleles (0.0018%); highest among the groups gnomAD compares: African/African-American, 0.004%; no homozygotes.

Submissions (2):

PreventionGenetics, part of Exact Sciences
Classification: Likely benign for PKD1-related condition. Last evaluated: 2026-08-19. Review status: criteria provided, single submitter. Criteria: ACMG Guidelines, 2015. Collection method: clinical testing. Allele origin: germline.
Comment: This variant is classified as likely benign based on ACMG/AMP sequence variant interpretation guidelines (Richards et al. 2015 PMID: 25741868, with internal and published modifications).

CeGaT Center for Human Genetics Tuebingen
Classification: Likely benign. Last evaluated: 2026-08-01. Review status: criteria provided, single submitter. Criteria: CeGaT Center For Human Genetics Tuebingen Variant Classification Criteria Version 2. Collection method: clinical testing. Allele origin: germline. Affected: yes. Observed: 1 variant allele.
Comment: PKD1: BP4, BP7